The following continues an entry in ClinVar:

NM_000152.5(GAA):c.2237G>C (p.Trp746Ser)

Gene: GAA. ClinVar aggregate classification (germline): Likely pathogenic. Likely pathogenic (1).

Submissions 7 to 14 of 14:

Biochemical Genetics Department, Cyprus Institute of Neurology and Genetics
Classification: Pathogenic for Glycogen storage disease, type II. Last evaluated: 2023-05-05. Review status: criteria provided, single submitter. Criteria: ClinGen LSD ACMG Specifications V2. Collection method: clinical testing. Allele origin: germline. Inheritance: Autosomal recessive inheritance. Observed: 5 variant alleles, 1 heterozygote, 4 compound heterozygotes. Not counted in ClinVar's aggregate classification.
Comment: The classification of the variant was performed according to the recommendations of ClinGen lysosomal storage disorders variant curation expert panel (Guidelines version 2, specific for the GAA gene). The NM_000152.5:c.2237G>C p.(Trp746Ser) is a missense variant that replaces a highly conserved Trp with Ser. This variant is present at a very low frequency in gnomAD databases (ƒExomes = 0.0000678, ƒgenomes = 0.0000854), only in heterozygosity and meets the PM2_Supporting criterion (1pt). This variant is located in a mutational hot-spot sequence of 17 amino-acids length with 20 missense/in-frame variants (8 pathogenic variants, 12 uncertain variants) and without benign variation, which qualifies the c.2237G>C variant as moderate pathogenic (PM1 criterion, 2pts). Five pathogenic alternative variants [Trp746Cys (chr17:78090815G>T and chr17:78090815 G>C), Trp746Leu, Trp746Gly and Trp746Arg] affecting the same amino acid (Trp746) have been reported in association with disease in ClinVar (PM5_strong: 4pts). Multiple lines of computational evidence strongly support the pathogenicity of this variant (REVEL score: 0.919) and therefore meets the PP3 criterion (supporting, 1pt). The c.2237G>C variant confirmed to be in trans with different pathogenic or likely pathogenic variants (PMID: 25526786, PMID: 18429042, PMID: 12923862, PMID: 21484825, PMID: 16917947, PMID: 18285536) in individuals with Pompe disease, thus meets the PM3_very strong criterion (4pts). In vitro functional studies provide evidence that the p.Trp746Ser variant may impact GAA activity (PMID: 22644586). In our study, the four individuals (with c.[266G>A];[2237G>C] genotype, 2-13 years) were found to have GAA activity clearly within the patient range (1.1-4.9nmol/h/mg) in leukocytes using 4-methylumbelliferyl-α-D-glucoside as a substrate. Using glycogen as a substrate, the GAA activity was found to be within the range for LOPD patients (3-10nmol/h/mg) for one subject and slightly above the upper limit for the three subjects. The presence of the KM-mutant polymorphism c.271G>A and the pseudodeficiency variant c.[1726G>A (p.Gly576Ser); 2065G>A (p.Glu689Lys)] was excluded. Based on the ClinGen LSD VCEP's specifications, this data meets PP4_Moderate rule (2pts). In summary, this variant meets the criteria to be classified as a pathogenic variant (total 14 pts) for Pompe disease.

Laboratory for Molecular Medicine, Mass General Brigham Personalized Medicine
Classification: Likely pathogenic for Glycogen storage disease, type II. Last evaluated: 2023-02-02. Review status: criteria provided, single submitter. Criteria: ACMG Guidelines, 2015. Collection method: clinical testing. Allele origin: germline. Not counted in ClinVar's aggregate classification.
Comment: The p.Trp746Ser variant in GAA has been reported at least 3 individuals with glycogen storage disorder type II (GSD type II), two of whom were compound heterozygous with the variant a pathogenic variant on the other allele and also carried another variant (p.Gln743Arg) in cis (on the same allele as this variant) (Kroos 2008 PMID: 18425781, Liu 2013 PMID: 24169249, Preisler 2017 PMID: 28490439). It has also been identified in 0.03% (5/15284) of Latino/Admixed American chromosomes by gnomAD, v.3, and is reported in ClinVar (Variation ID 188484). In vitro functional studies suggest the variant impairs protein function (Kroos 2012 PMID: 22644586, Niño 2013 PMID: 23430493). Computational prediction tools and conservation analyses suggest that this variant may impact the protein. Several variants involving this codon (p.Trp746Cys, p.Trp746Gly, p.Trp746Arg, and p.Trp746Leu) have been identified in individuals with GSD type II and have been classified as pathogenic in ClinVar. In summary, although additional studies are required to fully establish its clinical significance, this variant meets criteria to be classified as likely pathogenic for autosomal recessive glycogen storage disorder type II. ACMG/AMP criteria applied: PM5_Strong, PM2_Supporting, PP3.

Women's Health and Genetics/Laboratory Corporation of America, LabCorp
Classification: Pathogenic for Glycogen storage disease, type II. Last evaluated: 2023-01-18. Review status: criteria provided, single submitter. Criteria: LabCorp Variant Classification Summary - May 2015. Collection method: clinical testing. Allele origin: germline. Not counted in ClinVar's aggregate classification.
Comment: Variant summary: GAA c.2237G>C (p.Trp746Ser) results in a non-conservative amino acid change in the encoded protein sequence. Five of five in-silico tools predict a damaging effect of the variant on protein function. The variant allele was found at a frequency of 6.8e-05 in 250744 control chromosomes (gnomAD). This frequency is not higher than predicted for a pathogenic variant in GAA causing Glycogen Storage Disease, Type 2 (Pompe Disease) (6.8e-05 vs 0.0042), allowing no conclusion about variant significance. c.2237G>C has been reported in the literature in multiple individuals affected with Glycogen Storage Disease, Type 2 (Pompe Disease) (example: Angelini_2012). These data indicate that the variant is very likely to be associated with disease. Eight clinical diagnostic laboratories have submitted clinical-significance assessments for this variant to ClinVar after 2014 and all classified the variant as pathogenic/likely pathogenic. Based on the evidence outlined above, the variant was classified as pathogenic.

GeneDx
Classification: Pathogenic. Last evaluated: 2022-04-01. Review status: criteria provided, single submitter. Criteria: GeneDx Variant Classification Process June 2021. Collection method: clinical testing. Allele origin: germline. Affected: yes. Not counted in ClinVar's aggregate classification.
Comment: Published functional studies demonstrate that p.(W746S) results in a significant reduction in enzymatic activity (Kroos et al., 2012; Nino et al., 2013); In silico analysis supports that this missense variant has a deleterious effect on protein structure/function; This variant is associated with the following publications: (PMID: 24444888, 24169249, 18425781, 22644586, 23430493, 29325298, 30275481, 19343043, 22253258, 31589614, 27535533, 34906458, 26582918, 34020684, 33717985, 22081099, Jian2021, 33344388)

AiLife Diagnostics
Classification: Likely pathogenic. Last evaluated: 2021-09-23. Review status: criteria provided, single submitter. Criteria: ACMG Guidelines, 2015. Collection method: clinical testing. Allele origin: germline. Affected: yes. Observed: 2 variant alleles. Not counted in ClinVar's aggregate classification.

Broad Center for Mendelian Genomics, Broad Institute of MIT and Harvard
Classification: Pathogenic for Glycogen storage disease, type II. Last evaluated: 2020-01-22. Review status: criteria provided, single submitter. Criteria: ACMG Guidelines, 2015. Collection method: curation. Allele origin: germline. Inheritance: Autosomal recessive inheritance. Not counted in ClinVar's aggregate classification.
Comment: The p.Trp746Ser variant in GAA has been reported in 1 Danish, 1 Chinese, 1 Northern European, and 6 Italian individuals with Glycogen Storage Disease II (PMID: 28490439, 24169249, 18425781, 22081099), and has been identified in 0.032% (8/24924) of African chromosomes and 0.011% (4/35424) of Latino chromosomes by the Genome Aggregation Database (gnomAD; dbSNP rs752921215). Although this variant has been seen in the general population, its frequency is low enough to be consistent with a recessive carrier frequency. This variant has also been reported as a pathogenic variant by Invitae and a likely pathogenic variant by Counsyl and Shahid Beheshti University of Medical Sciences in ClinVar (Variation ID: 188484). In vitro functional studies provide some evidence that the p.Trp746Ser variant may impact GAA activity (PMID: 22644586). However, these types of assays may not accurately represent biological function. Computational prediction tools and conservation analyses suggest that this variant may impact the protein, though this information is not predictive enough to determine pathogenicity. The presence of this variant in combination with a reported pathogenic variant in 6 individuals with Glycogen Storage Disease II increases the likelihood that the p.Trp746Ser variant is pathogenic (PMID: 22081099). The phenotype of 2 individuals heterozygous for this variant is highly specific for Glycogen Storage Disease II based on reduced GAA activity in muscle tissue, consistent with disease (PMID: 22081099). Four additional variants (p.Trp746Cys, p.Trp746Gly, p.Trp746Arg, and p.Trp746Leu) at the the same position, including a reported pathogenic variant, have been reported in association with disease in ClinVar, supporting that a change at this position may not be tolerated (Variation ID: 265160, 556431, 499293, 284776). In summary, this variant meets criteria to be classified as pathogenic for Glycogen Storage Disease II in an autosomal recessive manner based on occurrences with a pathogenic GAA variant in individuals with Glycogen Storage Disease II and functional evidence. ACMG/AMP Criteria applied: PS3, PM5, PM3_supporting, PM2, PP3, PP4 (Richards 2015).

Genomic Research Center, Shahid Beheshti University of Medical Sciences
Classification: Likely pathogenic for Glycogen storage disease, type II. Last evaluated: 2017-12-18. Review status: criteria provided, single submitter. Criteria: ACMG Guidelines, 2015. Collection method: clinical testing. Allele origin: inherited. Not counted in ClinVar's aggregate classification.

Counsyl
Classification: Likely pathogenic for Glycogen storage disease, type II. Last evaluated: 2017-11-08. Review status: no assertion criteria provided. Collection method: clinical testing. Allele origin: unknown. Not counted in ClinVar's aggregate classification.

Literature cited by the submitters: PubMed 37600231 (cited by Genomenon, Inc); PubMed 34020684 (cited by Genomenon, Inc); PubMed 22081099 (cited by 6 submitters); PubMed 22644586 (cited by 5 submitters); PubMed 23430493 (cited by 4 submitters); PubMed 18425781 (cited by 4 submitters); PubMed 18458862 (cited by Labcorp Genetics (formerly Invitae), Labcorp); PubMed 21232767 (cited by Labcorp Genetics (formerly Invitae), Labcorp); PubMed 21757382 (cited by Labcorp Genetics (formerly Invitae), Labcorp); PubMed 25093132 (cited by Labcorp Genetics (formerly Invitae), Labcorp); PubMed 25526786 (cited by Labcorp Genetics (formerly Invitae), Labcorp); PubMed 27099502 (cited by Labcorp Genetics (formerly Invitae), Labcorp); PubMed 33344388 (cited by Natera, Inc.); PubMed 37087815 (cited by Natera, Inc.); PubMed 31589614 (cited by AiLife Diagnostics); PubMed 29325298 (cited by AiLife Diagnostics); PubMed 30275481 (cited by AiLife Diagnostics); PubMed 28490439 (cited by Broad Center for Mendelian Genomics, Broad Institute of MIT and Harvard and Counsyl); PubMed 24169249 (cited by Broad Center for Mendelian Genomics, Broad Institute of MIT and Harvard and Counsyl).